The following is an entry in ClinVar:

ClinVar aggregate classification (germline): Benign (0 of 4 stars; one submission).

Conditions:
DCDC1-related disorder. Also called: DCDC1-related condition.

Allele frequency attached by ClinVar (database versions not stated): gnomAD exomes 0.00032; ExAC 0.00068; ESP Exome Variant Server 0.00192; gnomAD 0.00269; 1000 Genomes Project 0.00280; TOPMed 0.00289; 1000 Genomes Project 30x 0.00359.
gnomAD v4.1: 614 of 759,320 alleles (0.081%); highest among the groups gnomAD compares: African/African-American, 0.93%; 2 homozygotes.

Submission:

PreventionGenetics, part of Exact Sciences
Classification: Benign for DCDC1-related condition. Last evaluated: 2020-01-13. Review status: no assertion criteria provided. Collection method: clinical testing. Allele origin: germline.
Comment: This variant is classified as benign based on ACMG/AMP sequence variant interpretation guidelines (Richards et al. 2015 PMID: 25741868, with internal and published modifications).

NM_001387274.1(DCDC1):c.2308C>G (p.Gln770Glu)

Gene: DCDC1 (doublecortin domain containing 1; minus strand). Cytogenetic location: 11p13.
Variant type: single nucleotide variant.
Coding change: c.2308C>G on transcript NM_001387274.1 (MANE Select); coding-DNA position 2308, C replaced by G.
Protein change: p.Gln770Glu; replaces glutamine 770 with glutamic acid.
Molecular consequence: missense variant. On other transcripts: non-coding transcript variant (1).
Genome position (GRCh38, 1-based): chr11:31,065,144, G>C on the plus strand (C>G on the coding strand, the complement: DCDC1 is on the minus strand). VCF-style: chr11-31065144-G-C. GRCh37 (hg19) VCF-style: chr11-31086691-G-C.
Other names: NM_001350255.1:c.1165C>G; c.2308C>G, p.Gln770Glu (NM_001367979.1); short protein forms Q770E.
Identifiers: ClinVar variation 3051102 (VCV003051102.2), dbSNP rs189041969, ClinGen allele CA5932107.
Genomic context (GRCh38, chr11:31,065,144, plus strand): 5'-ACTCTGTCTGGGTCACATCTACTTGTGCATTTAGCTCCTCTAGGTAGGTCAGAACAAACT[G>C]AGGATAAGCCTGTAAGAAAGGAAAAAATAACAAGTAGTATCACCCTTATAAACAATAGCC-3'
Protein context (NP_001374203.1, residues 760-780): DGCIYSKAYP[Gln770Glu]FVLTYLEELN